The following is an entry in ClinVar:

NM_014712.3(SETD1A):c.2831G>A (p.Arg944Gln)

Gene: SETD1A (SET domain containing 1A, histone lysine methyltransferase; plus strand). Cytogenetic location: 16p11.2.
Variant type: single nucleotide variant.
Coding change: c.2831G>A on transcript NM_014712.3 (MANE Select); coding-DNA position 2831, G replaced by A.
Protein change: p.Arg944Gln; replaces arginine 944 with glutamine.
Molecular consequence: missense variant.
Genome position (GRCh38, 1-based): chr16:30,969,365, G>A. VCF-style: chr16-30969365-G-A. GRCh37 (hg19) VCF-style: chr16-30980686-G-A.
Other names: short protein forms R944Q.
Identifiers: ClinVar variation 4163096 (VCV004163096.3).
Genomic context (GRCh38, chr16:30,969,365, plus strand): 5'-ACCCTGAACAAGAGAAGGAGGCTGGAGAGCCAGGACGTCCGGGGACCAAGCCCCCGAAGC[G>A]GGACGAAGAGCGAGGCAAGACCCAGGGCAAGCACCGCAAGTCCTTTGCTCTGGACAGCGA-3'
Protein context (NP_055527.1, residues 934-954): PGRPGTKPPK[Arg944Gln]DEERGKTQGK

ClinVar aggregate classification (germline): Likely benign. Review status: criteria provided, multiple submitters, no conflicts (2 of 4 stars). 2 submissions from 2 submitters: Likely benign (2). Last evaluated 2026-04-01.

Conditions:
Inborn genetic diseases. Identifiers: MedGen C0950123, MeSH D030342.

gnomAD v4.1: 81 of 1,614,192 alleles (0.005%); highest among the groups gnomAD compares: Admixed American, 0.11%; 1 homozygote.

Submissions (2):

CeGaT Center for Human Genetics Tuebingen
Classification: Likely benign. Last evaluated: 2026-04-01. Review status: criteria provided, single submitter. Criteria: CeGaT Center For Human Genetics Tuebingen Variant Classification Criteria Version 2. Collection method: clinical testing. Allele origin: germline. Affected: yes. Observed: 1 variant allele.
Comment: SETD1A: BS1

Ambry Genetics
Classification: Likely benign for Inborn genetic diseases. Last evaluated: 2025-08-21. Review status: criteria provided, single submitter. Criteria: Ambry Variant Classification Scheme 2023. Collection method: clinical testing. Allele origin: germline.